The following is an entry in ClinVar:

NM_004977.3(KCNC3):c.2055G>A (p.Met685Ile)

Gene: KCNC3 (potassium voltage-gated channel subfamily C member 3; minus strand). Cytogenetic location: 19q13.33.
Variant type: single nucleotide variant.
Coding change: c.2055G>A on transcript NM_004977.3 (MANE Select); coding-DNA position 2055, G replaced by A.
Protein change: p.Met685Ile; replaces methionine 685 with isoleucine.
Molecular consequence: missense variant. On other transcripts: non-coding transcript variant (1).
Genome position (GRCh38, 1-based): chr19:50,320,708, C>T on the plus strand (G>A on the coding strand, the complement: KCNC3 is on the minus strand). VCF-style: chr19-50320708-C-T. GRCh37 (hg19) VCF-style: chr19-50823965-C-T.
Other names: c.1827G>A, p.Met609Ile (NM_001372305.1); short protein forms M685I, M609I.
Identifiers: ClinVar variation 2038039 (VCV002038039.4), dbSNP rs754258303, ClinGen allele CA9594123.
Genomic context (GRCh38, chr19:50,320,708, plus strand): 5'-TCGGTCCCGGCTATAGCGGCCACGGCTTCCAGGCGTGATGGGGCTCTTGTCTTCCGGGGA[C>T]ATGGCAGGCTGGTCAATGGCTGGGCAGTCCTCGTGGGCAAGCGCAGCTGCTGCCGGATCC-3'
Protein context (NP_004968.2, residues 675-695): EDCPAIDQPA[Met685Ile]SPEDKSPITP

ClinVar aggregate classification (germline): Uncertain significance (1 of 4 stars; one submission).

Allele frequency attached by ClinVar (database versions not stated): gnomAD exomes below 0.00001; TOPMed below 0.00001; ExAC 0.00001.

Submission:

Labcorp Genetics (formerly Invitae), Labcorp
Classification: Uncertain significance. Last evaluated: 2023-08-30. Review status: criteria provided, single submitter. Criteria: Invitae Variant Classification Sherloc (09022015). Collection method: clinical testing. Allele origin: germline.
Comment: This sequence change replaces methionine, which is neutral and non-polar, with isoleucine, which is neutral and non-polar, at codon 685 of the KCNC3 protein (p.Met685Ile). This variant is present in population databases (rs754258303, gnomAD 0.0009%). This variant has not been reported in the literature in individuals affected with KCNC3-related conditions. ClinVar contains an entry for this variant (Variation ID: 2038039). Advanced modeling of protein sequence and biophysical properties (such as structural, functional, and spatial information, amino acid conservation, physicochemical variation, residue mobility, and thermodynamic stability) performed at Invitae indicates that this missense variant is not expected to disrupt KCNC3 protein function. In summary, the available evidence is currently insufficient to determine the role of this variant in disease. Therefore, it has been classified as a Variant of Uncertain Significance.